The following is an entry in ClinVar:

ClinVar aggregate classification (germline): Uncertain significance (1 of 4 stars; one submission).

Conditions:
Primary ciliary dyskinesia. Also called: Ciliary dyskinesia. Identifiers: Orphanet 244, MedGen C0008780, MONDO:0016575, HP:0012265.

Submission:

Labcorp Genetics (formerly Invitae), Labcorp
Classification: Uncertain significance for Primary ciliary dyskinesia. Last evaluated: 2022-03-29. Review status: criteria provided, single submitter. Criteria: Invitae Variant Classification Sherloc (09022015). Collection method: clinical testing. Allele origin: germline.
Comment: In summary, the available evidence is currently insufficient to determine the role of this variant in disease. Therefore, it has been classified as a Variant of Uncertain Significance. Algorithms developed to predict the effect of missense changes on protein structure and function are either unavailable or do not agree on the potential impact of this missense change (SIFT: "Tolerated"; PolyPhen-2: "Possibly Damaging"; Align-GVGD: "Class C0"). This variant has not been reported in the literature in individuals affected with RSPH4A-related conditions. This variant is not present in population databases (gnomAD no frequency). This sequence change replaces serine, which is neutral and polar, with glycine, which is neutral and non-polar, at codon 671 of the RSPH4A protein (p.Ser671Gly).

NM_001010892.3(RSPH4A):c.2011A>G (p.Ser671Gly)

Gene: RSPH4A (radial spoke head component 4A; plus strand). Cytogenetic location: 6q22.1.
Variant type: single nucleotide variant.
Coding change: c.2011A>G on transcript NM_001010892.3 (MANE Select); coding-DNA position 2011, A replaced by G.
Protein change: p.Ser671Gly; replaces serine 671 with glycine.
Molecular consequence: missense variant. On other transcripts: 3 prime UTR variant (1).
Genome position (GRCh38, 1-based): chr6:116,632,301, A>G. VCF-style: chr6-116632301-A-G. GRCh37 (hg19) VCF-style: chr6-116953464-A-G.
Other names: c.*72A>G (NM_001161664.2); short protein forms S671G.
Identifiers: ClinVar variation 2119359 (VCV002119359.4), dbSNP rs2482814903, ClinGen allele CA365413040.